The following is an entry in ClinVar:

NM_004168.4(SDHA):c.778G>T (p.Gly260Trp)

Gene: SDHA (succinate dehydrogenase complex flavoprotein subunit A; plus strand). Cytogenetic location: 5p15.33.
Variant type: single nucleotide variant.
Coding change: c.778G>T on transcript NM_004168.4 (MANE Select); coding-DNA position 778, G replaced by T.
Protein change: p.Gly260Trp; replaces glycine 260 with tryptophan.
Molecular consequence: missense variant.
Genome position (GRCh38, 1-based): chr5:230,883, G>T. VCF-style: chr5-230883-G-T. GRCh37 (hg19) VCF-style: chr5-230998-G-T.
Other names: c.634G>T, p.Gly212Trp (NM_001294332.2); c.778G>T, p.Gly260Trp (NM_001330758.2); short protein forms G212W, G260W.
Identifiers: ClinVar variation 3316842 (VCV003316842.1).

ClinVar aggregate classification (germline): Uncertain significance (1 of 4 stars; one submission).

Conditions:
Hereditary cancer-predisposing syndrome. Also called: Neoplastic Syndromes, Hereditary; Tumor predisposition; Hereditary neoplastic syndrome; Hereditary Cancer Syndrome. Identifiers: Orphanet 140162, MedGen C0027672, MeSH D009386, MONDO:0015356.

Submission:

Ambry Genetics
Classification: Uncertain significance for Hereditary cancer-predisposing syndrome. Last evaluated: 2024-05-23. Review status: criteria provided, single submitter. Criteria: Ambry Variant Classification Scheme 2023. Collection method: clinical testing. Allele origin: germline.
Comment: The p.G260W variant (also known as c.778G>T), located in coding exon 7 of the SDHA gene, results from a G to T substitution at nucleotide position 778. The glycine at codon 260 is replaced by tryptophan, an amino acid with highly dissimilar properties. Based on internal structural analysis, G260W is more disruptive than several internally pathogenic variants in the same domain (Zhou Q et al. Protein Cell, 2011 Jul;2:531-42). This amino acid position is highly conserved in available vertebrate species. In addition, this alteration is predicted to be deleterious by in silico analysis. Based on the available evidence, the clinical significance of this variant remains unclear.

Literature cited by the submitters: PubMed 21822798.